The following is an entry in ClinVar:

NM_001197104.2(KMT2A):c.4808C>T (p.Ser1603Leu)

Gene: KMT2A (lysine methyltransferase 2A; plus strand). Cytogenetic location: 11q23.3.
Variant type: single nucleotide variant.
Coding change: c.4808C>T on transcript NM_001197104.2 (MANE Select); coding-DNA position 4808, C replaced by T.
Protein change: p.Ser1603Leu; replaces serine 1603 with leucine.
Molecular consequence: missense variant.
Genome position (GRCh38, 1-based): chr11:118,491,307, C>T. VCF-style: chr11-118491307-C-T. GRCh37 (hg19) VCF-style: chr11-118362022-C-T.
Other names: c.4808C>T, p.Ser1603Leu (NM_005933.4); short protein forms S1603L.
Identifiers: ClinVar variation 1315209 (VCV001315209.2), dbSNP rs2134339205, ClinGen allele CA382834516.

ClinVar aggregate classification (germline): Uncertain significance (1 of 4 stars; one submission).

Submission:

GeneDx
Classification: Uncertain significance. Last evaluated: 2020-02-16. Review status: criteria provided, single submitter. Criteria: GeneDx Variant Classification Process June 2021. Collection method: clinical testing. Allele origin: germline. Affected: yes.
Comment: Not observed in large population cohorts (Lek et al., 2016); In silico analysis supports that this missense variant has a deleterious effect on protein structure/function; Has not been previously published as pathogenic or benign to our knowledge